The following is an entry in ClinVar:

ClinVar aggregate classification (germline): Uncertain significance (1 of 4 stars; one submission).

Conditions:
Inborn genetic diseases. Identifiers: MedGen C0950123, MeSH D030342.

gnomAD v4.1: 2 of 1,613,988 alleles (0.00012%); highest among the groups gnomAD compares: Non-Finnish European, 0.000085%; no homozygotes.

Submission:

Ambry Genetics
Classification: Uncertain significance for Inborn genetic diseases. Last evaluated: 2025-04-10. Review status: criteria provided, single submitter. Criteria: Ambry Variant Classification Scheme 2023. Collection method: clinical testing. Allele origin: germline.
Comment: The p.D550V variant (also known as c.1649A>T), located in coding exon 18 of the FANCA gene, results from an A to T substitution at nucleotide position 1649. The aspartic acid at codon 550 is replaced by valine, an amino acid with highly dissimilar properties. This amino acid position is conserved. In addition, this alteration is predicted to be deleterious by in silico analysis. Based on the available evidence, the clinical significance of this variant remains unclear.

NM_000135.4(FANCA):c.1649A>T (p.Asp550Val)

Gene: FANCA (FA complementation group A; minus strand). Cytogenetic location: 16q24.3.
Variant type: single nucleotide variant.
Coding change: c.1649A>T on transcript NM_000135.4 (MANE Select); coding-DNA position 1649, A replaced by T.
Protein change: p.Asp550Val; replaces aspartic acid 550 with valine.
Molecular consequence: missense variant.
Genome position (GRCh38, 1-based): chr16:89,779,935, T>A on the plus strand (A>T on the coding strand, the complement: FANCA is on the minus strand). VCF-style: chr16-89779935-T-A. GRCh37 (hg19) VCF-style: chr16-89846343-T-A.
Other names: c.1649A>T, p.Asp550Val (NM_001286167.3); short protein forms D550V.
Identifiers: ClinVar variation 4022171 (VCV004022171.1).